The following is an entry in ClinVar:

NM_001854.4(COL11A1):c.4465-1G>A

Gene: COL11A1 (collagen type XI alpha 1 chain; minus strand). Cytogenetic location: 1p21.1.
Variant type: single nucleotide variant.
Coding change: c.4465-1G>A on transcript NM_001854.4 (MANE Select); the canonical splice acceptor site of the intron before coding-DNA position 4465, G replaced by A.
Molecular consequence: splice acceptor variant.
Genome position (GRCh38, 1-based): chr1:102,888,920, C>T on the plus strand (G>A on the coding strand, the complement: COL11A1 is on the minus strand). VCF-style: chr1-102888920-C-T. GRCh37 (hg19) VCF-style: chr1-103354476-C-T.
Other names: c.4348-1G>A (NM_001190709.2); c.4501-1G>A (NM_080629.3); c.4117-1G>A (NM_080630.4).
Identifiers: ClinVar variation 2638945 (VCV002638945.24), dbSNP rs2524248390, ClinGen allele CA341212568.
Genomic context (GRCh38, chr1:102,888,920, plus strand): 5'-ACTTACTGGTAAACCTGGAGGACCAGGTGGACCTAAGGGACCAGCAGGACCAGGAATTCC[C>T]TAGAGAGAGAATCAGCCAATTTAAAGGGATTTTCTCAGCTATTTCATTTTCATGTTTTCA-3'

ClinVar aggregate classification (germline): Uncertain significance (1 of 4 stars; one submission).

Submission:

CeGaT Center for Human Genetics Tuebingen
Classification: Uncertain significance. Last evaluated: 2022-06-01. Review status: criteria provided, single submitter. Criteria: CeGaT Center For Human Genetics Tuebingen Variant Classification Criteria Version 2. Collection method: clinical testing. Allele origin: germline. Affected: yes. Observed: 1 variant allele.
Comment: COL11A1: PM2, PVS1:Moderate